The following is an entry in ClinVar:

NM_005581.5(BCAM):c.711C>T (p.Cys237=)

Gene: BCAM (basal cell adhesion molecule (Lutheran blood group); plus strand). Cytogenetic location: 19q13.32.
Variant type: single nucleotide variant.
Coding change: c.711C>T on transcript NM_005581.5 (MANE Select); coding-DNA position 711, C replaced by T.
Protein change: p.Cys237=; no amino-acid change (cysteine 237 retained).
Molecular consequence: synonymous variant.
Genome position (GRCh38, 1-based): chr19:44,813,547, C>T. VCF-style: chr19-44813547-C-T. GRCh37 (hg19) VCF-style: chr19-45316804-C-T.
Other names: c.711C>T, p.Cys237= (NM_001013257.2).
Identifiers: ClinVar variation 3056456 (VCV003056456.2), dbSNP rs3810141, ClinGen allele CA9504504.
Genomic context (GRCh38, chr19:44,813,547, plus strand): 5'-CCTCACCAGCACCCTCTACCTGCGGCTCCGCAAGGATGACCGAGACGCCAGCTTCCACTG[C>T]GCCGCCCACTACAGCCTGCCCGAGGGCCGCCACGGCCGCCTGGACAGCCCCACCTTCCAC-3'
Protein context (NP_005572.2, residues 227-247): RKDDRDASFH[Cys237=]AAHYSLPEGR

ClinVar aggregate classification (germline): Benign (0 of 4 stars; one submission).

Conditions:
BCAM-related disorder. Also called: BCAM-related condition.

Allele frequency attached by ClinVar (database versions not stated): TOPMed 0.08003; gnomAD 0.08133; ExAC 0.08800; 1000 Genomes Project 30x 0.09557; 1000 Genomes Project 0.10004.
gnomAD v4.1: 111,763 of 1,612,474 alleles (6.9%); highest among the groups gnomAD compares: South Asian, 18%; 4,877 homozygotes.

Submission:

PreventionGenetics, part of Exact Sciences
Classification: Benign for BCAM-related condition. Last evaluated: 2019-12-23. Review status: no assertion criteria provided. Collection method: clinical testing. Allele origin: germline.
Comment: This variant is classified as benign based on ACMG/AMP sequence variant interpretation guidelines (Richards et al. 2015 PMID: 25741868, with internal and published modifications).